The following is an entry in ClinVar:

NM_001377.3(DYNC2H1):c.11446_11447del (p.Asn3816fs)

Gene: DYNC2H1 (dynein cytoplasmic 2 heavy chain 1; plus strand). Cytogenetic location: 11q22.3.
Variant type: Deletion.
Coding change: c.11446_11447del on transcript NM_001377.3 (MANE Select); coding-DNA positions 11446 to 11447, 2 bases deleted (AA; older notation c.11446_11447delAA).
Protein change: p.Asn3816fs; shifts the reading frame from asparagine 3816.
Molecular consequence: frameshift variant.
Genome position (GRCh38, 1-based): chr11:103,307,784-103,307,785, AA deleted. VCF-style (leftmost placement, unchanged base first): chr11-103307783-CAA-C. GRCh37 (hg19) VCF-style: chr11-103178512-CAA-C.
Other names: c.11467_11468del, p.Asn3823fs (NM_001080463.2); short protein forms N3816fs, N3823fs.
Identifiers: ClinVar variation 2756208 (VCV002756208.3), dbSNP rs2496881754, ClinGen allele CA2697548899.

ClinVar aggregate classification (germline): Pathogenic (1 of 4 stars; one submission).

Conditions:
Jeune thoracic dystrophy. Also called: Jeune syndrome; Infantile thoracic dystrophy; Thoracic pelvic phalangeal dystrophy; Jeune's syndrome; Chondroectodermal dysplasia-like syndrome; Short-rib thoracic dysplasia. Identifiers: Orphanet 474, MedGen C0265275, MONDO:0018770.

Submission:

Labcorp Genetics (formerly Invitae), Labcorp
Classification: Pathogenic for Jeune thoracic dystrophy. Last evaluated: 2023-08-29. Review status: criteria provided, single submitter. Criteria: Invitae Variant Classification Sherloc (09022015). Collection method: clinical testing. Allele origin: germline.
Comment: This sequence change creates a premature translational stop signal (p.Asn3823Leufs*15) in the DYNC2H1 gene. It is expected to result in an absent or disrupted protein product. Loss-of-function variants in DYNC2H1 are known to be pathogenic (PMID: 23339108, 32753734, 33755199). This variant is not present in population databases (gnomAD no frequency). This variant has not been reported in the literature in individuals affected with DYNC2H1-related conditions. Algorithms developed to predict the effect of sequence changes on RNA splicing suggest that this variant may disrupt the consensus splice site. For these reasons, this variant has been classified as Pathogenic.

Literature cited by the submitters: PubMed 23339108; PubMed 32753734; PubMed 33755199.